The following is an entry in ClinVar:

ClinVar aggregate classification (germline): Uncertain significance. Review status: criteria provided, multiple submitters, no conflicts (2 of 4 stars). 2 submissions from 2 submitters: Uncertain significance (2). Last evaluated 2023-12-18.

Conditions:
Hereditary intrinsic factor deficiency (IFD). Also called: PERNICIOUS ANEMIA, CONGENITAL, DUE TO DEFECT OF INTRINSIC FACTOR; Congenital intrinsic factor deficiency. Identifiers: Orphanet 332, MedGen C2062370, MONDO:0009852, OMIM 261000.

Allele frequency attached by ClinVar (database versions not stated): ExAC 0.00049; gnomAD exomes 0.00053; TOPMed 0.00058; 1000 Genomes Project 0.00060; 1000 Genomes Project 30x 0.00062; gnomAD 0.00066 and 0.00068; ESP Exome Variant Server 0.00085.
gnomAD v4.1: 813 of 1,612,102 alleles (0.05%); highest among the groups gnomAD compares: African/African-American, 0.15%; no homozygotes.

Submissions (2):

Labcorp Genetics (formerly Invitae), Labcorp
Classification: Uncertain significance for Hereditary intrinsic factor deficiency. Last evaluated: 2023-12-18. Review status: criteria provided, single submitter. Criteria: Invitae Variant Classification Sherloc (09022015). Collection method: clinical testing. Allele origin: germline.
Comment: This sequence change replaces valine, which is neutral and non-polar, with isoleucine, which is neutral and non-polar, at codon 28 of the GIF protein (p.Val28Ile). This variant is present in population databases (rs139090732, gnomAD 0.1%), and has an allele count higher than expected for a pathogenic variant. This variant has not been reported in the literature in individuals affected with GIF-related conditions. ClinVar contains an entry for this variant (Variation ID: 945698). An algorithm developed to predict the effect of missense changes on protein structure and function (PolyPhen-2) suggests that this variant¬†is likely to be tolerated. In summary, the available evidence is currently insufficient to determine the role of this variant in disease. Therefore, it has been classified as a Variant of Uncertain Significance.

Ambry Genetics
Classification: Uncertain significance. Last evaluated: 2021-08-23. Review status: criteria provided, single submitter. Criteria: Ambry Variant Classification Scheme 2023. Collection method: clinical testing. Allele origin: germline.

NM_005142.3(CBLIF):c.82G>A (p.Val28Ile)

Gene: CBLIF (cobalamin binding intrinsic factor; minus strand). Cytogenetic location: 11q12.1.
Variant type: single nucleotide variant.
Coding change: c.82G>A on transcript NM_005142.3 (MANE Select); coding-DNA position 82, G replaced by A.
Protein change: p.Val28Ile; replaces valine 28 with isoleucine.
Molecular consequence: missense variant.
Genome position (GRCh38, 1-based): chr11:59,844,053, C>T on the plus strand (G>A on the coding strand, the complement: CBLIF is on the minus strand). VCF-style: chr11-59844053-C-T. GRCh37 (hg19) VCF-style: chr11-59611526-C-T.
Other names: short protein forms V28I.
Identifiers: ClinVar variation 945698 (VCV000945698.6), dbSNP rs139090732, ClinGen allele CA6021672.